The following is an entry in ClinVar:

NM_003322.6(TULP1):c.845del (p.Pro282fs)

Gene: TULP1 (TUB like protein 1; minus strand). Cytogenetic location: 6p21.31.
Variant type: Deletion.
Coding change: c.845del on transcript NM_003322.6 (MANE Select); coding-DNA position 845, one base deleted (C; older notation c.845delC).
Protein change: p.Pro282fs; shifts the reading frame from proline 282.
Molecular consequence: frameshift variant.
Genome position (GRCh38, 1-based): chr6:35,506,157, G deleted on the plus strand (C on the coding strand, the reverse complement: TULP1 is on the minus strand); the first of 4 consecutive G bases (chr6:35,506,157-35,506,160); deleting any one gives the same sequence. VCF-style (leftmost placement, unchanged base first): chr6-35506156-CG-C. GRCh37 (hg19) VCF-style: chr6-35473933-CG-C.
Other names: c.686del, p.Pro229fs (NM_001289395.2); short protein forms P282fs, P229fs.
Identifiers: ClinVar variation 280920 (VCV000280920.6), dbSNP rs886042038, ClinGen allele CA10602945.

ClinVar aggregate classification (germline): Pathogenic. Review status: criteria provided, multiple submitters, no conflicts (2 of 4 stars). 2 submissions from 2 submitters: Pathogenic (2). Last evaluated 2021-12-30.

Submissions (2):

Labcorp Genetics (formerly Invitae), Labcorp
Classification: Pathogenic. Last evaluated: 2021-12-30. Review status: criteria provided, single submitter. Criteria: Invitae Variant Classification Sherloc (09022015). Collection method: clinical testing. Allele origin: germline.
Comment: This variant has not been reported in the literature in individuals affected with TULP1-related conditions. This variant is not present in population databases (gnomAD no frequency). This sequence change creates a premature translational stop signal (p.Pro282Argfs*28) in the TULP1 gene. It is expected to result in an absent or disrupted protein product. Loss-of-function variants in TULP1 are known to be pathogenic (PMID: 8606774, 10549638, 15024725, 18055821). ClinVar contains an entry for this variant (Variation ID: 280920). For these reasons, this variant has been classified as Pathogenic.

GeneDx
Classification: Pathogenic. Last evaluated: 2016-10-04. Review status: criteria provided, single submitter. Criteria: GeneDx Variant Classification (06012015). Collection method: clinical testing. Allele origin: germline. Affected: yes.
Comment: The c.845delC pathogenic variant in the TULP1 gene has not been reported previously as a pathogenic variant nor as a benign variant, to our knowledge. The c.845delC variant causes a frameshift starting with codon Proline 282, changes this amino acid to an Arginine residue, and creates a premature Stop codon at position 28 of the new reading frame, denoted p.Pro282ArgfsX28. This variant is predicted to cause loss of normal protein function either through protein truncation or nonsense-mediated mRNA decay. The c.845delC variant was not observed in approximately 6500 individuals of European and African American ancestry in the NHLBI Exome Sequencing Project, indicating it is not a common benign variant in these populations. We interpret c.845delC as a pathogenic variant.

Literature cited by the submitters: PubMed 8606774 (cited by Labcorp Genetics (formerly Invitae), Labcorp); PubMed 10549638 (cited by Labcorp Genetics (formerly Invitae), Labcorp); PubMed 15024725 (cited by Labcorp Genetics (formerly Invitae), Labcorp); PubMed 18055821 (cited by Labcorp Genetics (formerly Invitae), Labcorp).